The following is an entry in ClinVar:

NM_001723.7(DST):c.3882G>A (p.Met1294Ile)

Gene: DST (dystonin; minus strand). Cytogenetic location: 6p12.1.
Variant type: single nucleotide variant.
Coding change: c.3882G>A on transcript NM_001723.7 (MANE Plus Clinical); coding-DNA position 3882, G replaced by A.
Protein change: p.Met1294Ile; replaces methionine 1294 with isoleucine.
Molecular consequence: missense variant. On other transcripts: intron variant (10).
Genome position (GRCh38, 1-based): chr6:56,620,152, C>T on the plus strand (G>A on the coding strand, the complement: DST is on the minus strand). VCF-style: chr6-56620152-C-T. GRCh37 (hg19) VCF-style: chr6-56484950-C-T.
Other names: c.4830+4378G>A (NM_001144769.5); c.4929+4378G>A (NM_001374722.1, NM_001374736.1); c.4956+4378G>A (NM_001374734.1); c.4416+4378G>A (NM_001144770.2); c.4296+4378G>A (NM_001374730.1, NM_001386100.1, NM_183380.4 and 1 more transcripts); c.3318+4378G>A (NM_015548.5); short protein forms M1294I.
Identifiers: ClinVar variation 1473312 (VCV001473312.6), dbSNP rs774759425, ClinGen allele CA3870637.

ClinVar aggregate classification (germline): Uncertain significance (1 of 4 stars; one submission).

Conditions:
Hereditary sensory and autonomic neuropathy type 6. Also called: HSAN VI; Neuropathy, hereditary sensory and autonomic, type VI. Identifiers: Orphanet 314381, MedGen C3539003, MONDO:0013839, OMIM 614653.
Epidermolysis bullosa simplex 3, localized or generalized intermediate, with BP230 deficiency (EBS3). Also called: Epidermolysis bullosa simplex, autosomal recessive 2; Epidermolysis bullosa simplex due to BP230 deficiency. Identifiers: Orphanet 412181, MedGen C3809470, MONDO:0014180, OMIM 615425.

Allele frequency attached by ClinVar (database versions not stated): gnomAD exomes below 0.00001; TOPMed below 0.00001; ExAC 0.00001; gnomAD 0.00001.
gnomAD v4.1: 2 of 1,613,358 alleles (0.00012%); highest among the groups gnomAD compares: African/African-American, 0.0027%; no homozygotes.

Submission:

Labcorp Genetics (formerly Invitae), Labcorp
Classification: Uncertain significance for Epidermolysis bullosa simplex 3, localized or generalized intermediate, with BP230 deficiency; Hereditary sensory and autonomic neuropathy type 6. Last evaluated: 2022-12-06. Review status: criteria provided, single submitter. Criteria: Invitae Variant Classification Sherloc (09022015). Collection method: clinical testing. Allele origin: germline.
Comment: This sequence change replaces methionine, which is neutral and non-polar, with isoleucine, which is neutral and non-polar, at codon 1294 of the DST protein (p.Met1294Ile). This variant is present in population databases (rs774759425, gnomAD 0.007%). This variant has not been reported in the literature in individuals affected with DST-related conditions. In summary, the available evidence is currently insufficient to determine the role of this variant in disease. Therefore, it has been classified as a Variant of Uncertain Significance. Algorithms developed to predict the effect of missense changes on protein structure and function are either unavailable or do not agree on the potential impact of this missense change (SIFT: "Tolerated"; PolyPhen-2: "Probably Damaging"; Align-GVGD: "Class C0"). ClinVar contains an entry for this variant (Variation ID: 1473312).